The following is an entry in ClinVar:

ClinVar aggregate classification (germline): Uncertain significance (1 of 4 stars; one submission).

Conditions:
Long chain 3-hydroxyacyl-CoA dehydrogenase deficiency. Also called: Deficiency of long-chain 3-hydroxyacyl-coenzyme A dehydrogenase; LCHAD Deficiency. Identifiers: Orphanet 5, MedGen C3711645, MONDO:0012173, OMIM 609016.
Mitochondrial trifunctional protein deficiency. Identifiers: Orphanet 746, MedGen C1969443, MONDO:0012172.

Submission:

Labcorp Genetics (formerly Invitae), Labcorp
Classification: Uncertain significance for Mitochondrial trifunctional protein deficiency; Long chain 3-hydroxyacyl-CoA dehydrogenase deficiency. Last evaluated: 2020-11-23. Review status: criteria provided, single submitter. Criteria: Invitae Variant Classification Sherloc (09022015). Collection method: clinical testing. Allele origin: germline.
Comment: In summary, the available evidence is currently insufficient to determine the role of this variant in disease. Therefore, it has been classified as a Variant of Uncertain Significance. Advanced modeling of protein sequence and biophysical properties (such as structural, functional, and spatial information, amino acid conservation, physicochemical variation, residue mobility, and thermodynamic stability) performed at Invitae indicates that this missense variant is not expected to disrupt HADHA protein function. This variant has not been reported in the literature in individuals with HADHA-related conditions. This variant is not present in population databases (ExAC no frequency). This sequence change replaces isoleucine with asparagine at codon 256 of the HADHA protein (p.Ile256Asn). The isoleucine residue is moderately conserved and there is a large physicochemical difference between isoleucine and asparagine.

NM_000182.5(HADHA):c.767T>A (p.Ile256Asn)

Gene: HADHA (hydroxyacyl-CoA dehydrogenase trifunctional multienzyme complex subunit alpha; minus strand). Cytogenetic location: 2p23.3.
Variant type: single nucleotide variant.
Coding change: c.767T>A on transcript NM_000182.5 (MANE Select); coding-DNA position 767, T replaced by A.
Protein change: p.Ile256Asn; replaces isoleucine 256 with asparagine.
Molecular consequence: missense variant.
Genome position (GRCh38, 1-based): chr2:26,215,085, A>T on the plus strand (T>A on the coding strand, the complement: HADHA is on the minus strand). VCF-style: chr2-26215085-A-T. GRCh37 (hg19) VCF-style: chr2-26437954-A-T.
Other names: short protein forms I256N.
Identifiers: ClinVar variation 1486296 (VCV001486296.8), dbSNP rs1490396477, ClinGen allele CA346091513.